The following is an entry in ClinVar:

ClinVar aggregate classification (germline): Conflicting classifications of pathogenicity. Review status: criteria provided, conflicting classifications (1 of 4 stars). 2 submissions from 2 submitters: Uncertain significance (1); Benign (1). Last evaluated 2025-02-17.

Conditions:
Hereditary cancer-predisposing syndrome. Also called: Tumor predisposition; Hereditary neoplastic syndrome; Neoplastic Syndromes, Hereditary; Hereditary Cancer Syndrome. Identifiers: Orphanet 140162, MedGen C0027672, MeSH D009386, MONDO:0015356.
Multiple endocrine neoplasia type 4. Also called: MULTIPLE ENDOCRINE NEOPLASIA, TYPE IV. Identifiers: Orphanet 276152, MedGen C1970712, MONDO:0012552, OMIM 610755.

Allele frequency attached by ClinVar (database versions not stated): ExAC 0.00002.
gnomAD v4.1: 6 of 1,611,792 alleles (0.00037%); highest among the groups gnomAD compares: South Asian, 0.0066%; no homozygotes.

Submissions (2):

Ambry Genetics
Classification: Benign for Hereditary cancer-predisposing syndrome. Last evaluated: 2025-02-17. Review status: criteria provided, single submitter. Criteria: Ambry Variant Classification Scheme 2023. Collection method: clinical testing. Allele origin: germline.

Labcorp Genetics (formerly Invitae), Labcorp
Classification: Uncertain significance for Multiple endocrine neoplasia type 4. Last evaluated: 2024-11-24. Review status: criteria provided, single submitter. Criteria: Invitae Variant Classification Sherloc (09022015). Collection method: clinical testing. Allele origin: germline.
Comment: This sequence change replaces aspartic acid, which is acidic and polar, with asparagine, which is neutral and polar, at codon 132 of the CDKN1B protein (p.Asp132Asn). This variant is present in population databases (rs760403492, gnomAD 0.007%). This variant has not been reported in the literature in individuals affected with CDKN1B-related conditions. ClinVar contains an entry for this variant (Variation ID: 1498625). An algorithm developed to predict the effect of missense changes on protein structure and function (PolyPhen-2) suggests that this variant is likely to be tolerated. In summary, the available evidence is currently insufficient to determine the role of this variant in disease. Therefore, it has been classified as a Variant of Uncertain Significance.

NM_004064.5(CDKN1B):c.394G>A (p.Asp132Asn)

Gene: CDKN1B (cyclin dependent kinase inhibitor 1B; plus strand). Cytogenetic location: 12p13.1.
Variant type: single nucleotide variant.
Coding change: c.394G>A on transcript NM_004064.5 (MANE Select); coding-DNA position 394, G replaced by A.
Protein change: p.Asp132Asn; replaces aspartic acid 132 with asparagine.
Molecular consequence: missense variant.
Genome position (GRCh38, 1-based): chr12:12,718,233, G>A. VCF-style: chr12-12718233-G-A. GRCh37 (hg19) VCF-style: chr12-12871167-G-A.
Other names: short protein forms D132N.
Identifiers: ClinVar variation 1498625 (VCV001498625.10), dbSNP rs760403492, ClinGen allele CA6457485.